The following is an entry in ClinVar:

ClinVar aggregate classification (germline): Benign (1 of 4 stars; one submission).

Allele frequency attached by ClinVar (database versions not stated): gnomAD 0.10637 and 0.11439; TOPMed 0.12275; 1000 Genomes Project 30x 0.19113; 1000 Genomes Project 0.19329.
gnomAD v4.1: 17,526 of 152,164 alleles (12%); highest among the groups gnomAD compares: East Asian, 38%; 1,349 homozygotes.

Submission:

GeneDx
Classification: Benign. Last evaluated: 2018-06-19. Review status: criteria provided, single submitter. Criteria: GeneDx Variant Classification (06012015). Collection method: clinical testing. Allele origin: germline. Affected: yes.
Comment: This variant is considered likely benign or benign based on one or more of the following criteria: it is a conservative change, it occurs at a poorly conserved position in the protein, it is predicted to be benign by multiple in silico algorithms, and/or has population frequency not consistent with disease.

NM_203447.4(DOCK8):c.54-160C>T

Gene: DOCK8 (dedicator of cytokinesis 8; plus strand). Cytogenetic location: 9p24.3.
Variant type: single nucleotide variant.
Coding change: c.54-160C>T on transcript NM_203447.4 (MANE Select); 160 bases into the intron before coding-DNA position 54, C replaced by T.
Molecular consequence: intron variant.
Genome position (GRCh38, 1-based): chr9:271,467, C>T. VCF-style: chr9-271467-C-T. GRCh37 (hg19) VCF-style: chr9-271467-C-T.
Identifiers: ClinVar variation 674419 (VCV000674419.1), dbSNP rs9792501, ClinGen allele CA187757823.